The following is an entry in ClinVar:

ClinVar aggregate classification (germline): Conflicting classifications of pathogenicity. Review status: criteria provided, conflicting classifications (1 of 4 stars). 4 submissions from 4 submitters: Uncertain significance (2); Benign (1); Likely benign (1). Last evaluated 2026-01-31.

Conditions:
DYRK1A-related intellectual disability syndrome (MRD7). Also called: DYRK1A Syndrome; Intellectual developmental disorder, autosomal dominant 7. Identifiers: Orphanet 464306, MedGen C5568143, MONDO:0013578, OMIM 614104.

Allele frequency attached by ClinVar (database versions not stated): gnomAD 0.00001; ExAC 0.00002; gnomAD exomes 0.00002; TOPMed 0.00002; ESP Exome Variant Server 0.00008.
gnomAD v4.1: 10 of 1,614,090 alleles (0.00062%); highest among the groups gnomAD compares: Middle Eastern, 0.016%; no homozygotes.

Submissions (4):

Labcorp Genetics (formerly Invitae), Labcorp
Classification: Benign for DYRK1A-related intellectual disability syndrome. Last evaluated: 2026-01-31. Review status: criteria provided, single submitter. Criteria: Invitae Variant Classification Sherloc (09022015). Collection method: clinical testing. Allele origin: germline.

Women's Health and Genetics/Laboratory Corporation of America, LabCorp
Classification: Uncertain significance. Last evaluated: 2024-09-25. Review status: criteria provided, single submitter. Criteria: LabCorp Variant Classification Summary - May 2015. Collection method: clinical testing. Allele origin: germline.
Comment: Variant summary: DYRK1A c.1910C>T (p.Thr637Met) results in a non-conservative amino acid change in the encoded protein sequence. Three of five in-silico tools predict a benign effect of the variant on protein function. The variant allele was found at a frequency of 2e-05 in 251462 control chromosomes. The available data on variant occurrences in the general population are insufficient to allow any conclusion about variant significance. To our knowledge, no occurrence of c.1910C>T in individuals affected with Mental Retardation, Autosomal Dominant 7 and no experimental evidence demonstrating its impact on protein function have been reported. ClinVar contains an entry for this variant (Variation ID: 430283). Based on the evidence outlined above, the variant was classified as uncertain significance.

GeneDx
Classification: Likely benign. Last evaluated: 2019-12-12. Review status: criteria provided, single submitter. Criteria: GeneDx Variant Classification Process June 2021. Collection method: clinical testing. Allele origin: germline. Affected: yes.

Baylor Genetics
Classification: Uncertain significance for DYRK1A-related intellectual disability syndrome. Last evaluated: 2018-02-19. Review status: criteria provided, single submitter. Criteria: ACMG Guidelines, 2015. Collection method: clinical testing. Allele origin: unknown. Affected: yes.
Comment: This variant was determined to be of uncertain significance according to ACMG Guidelines, 2015 [PMID:25741868].

NM_001347721.2(DYRK1A):c.1883C>T (p.Thr628Met)

Gene: DYRK1A (dual specificity tyrosine phosphorylation regulated kinase 1A; plus strand). Cytogenetic location: 21q22.13.
Variant type: single nucleotide variant.
Coding change: c.1883C>T on transcript NM_001347721.2 (MANE Select); coding-DNA position 1883, C replaced by T.
Protein change: p.Thr628Met; replaces threonine 628 with methionine.
Molecular consequence: missense variant. On other transcripts: 3 prime UTR variant (2).
Genome position (GRCh38, 1-based): chr21:37,512,149, C>T. VCF-style: chr21-37512149-C-T. GRCh37 (hg19) VCF-style: chr21-38884452-C-T.
Other names: c.1883C>T, p.Thr628Met (NM_001347722.2, NM_130436.2); c.1796C>T, p.Thr599Met (NM_001347723.2); c.1910C>T, p.Thr637Met (NM_001396.5); c.*286C>T (NM_101395.2); c.*195C>T (NM_130438.2); short protein forms T637M, T599M, T628M.
Identifiers: ClinVar variation 430283 (VCV000430283.10), dbSNP rs142149555, ClinGen allele CA10024128.